The following is an entry in ClinVar:

ClinVar aggregate classification (germline): Uncertain significance (1 of 4 stars; one submission).

Conditions:
Short-rib thoracic dysplasia 11 with or without polydactyly (SRTD11). Also called: SHORT-RIB THORACIC DYSPLASIA 11 WITHOUT POLYDACTYLY. Identifiers: Orphanet 474, Orphanet 93271, MedGen C3810200, MONDO:0014287, OMIM 615633.

Submission:

Labcorp Genetics (formerly Invitae), Labcorp
Classification: Uncertain significance for Short-rib thoracic dysplasia 11 with or without polydactyly. Last evaluated: 2022-04-11. Review status: criteria provided, single submitter. Criteria: Invitae Variant Classification Sherloc (09022015). Collection method: clinical testing. Allele origin: germline.
Comment: This sequence change replaces proline, which is neutral and non-polar, with serine, which is neutral and polar, at codon 379 of the WDR34 protein (p.Pro379Ser). This variant is not present in population databases (gnomAD no frequency). This variant has not been reported in the literature in individuals affected with WDR34-related conditions. Algorithms developed to predict the effect of missense changes on protein structure and function output the following: SIFT: "Deleterious"; PolyPhen-2: "Benign"; Align-GVGD: "Class C65". The serine amino acid residue is found in multiple mammalian species, which suggests that this missense change does not adversely affect protein function. In summary, the available evidence is currently insufficient to determine the role of this variant in disease. Therefore, it has been classified as a Variant of Uncertain Significance.

NM_052844.4(DYNC2I2):c.1135C>T (p.Pro379Ser)

Genes: DYNC2I2 (dynein 2 intermediate chain 2; minus strand), LOC126860772 (CDK7 strongly-dependent group 2 enhancer GRCh37_chr9:131396972-131398171; plus strand). Cytogenetic location: 9q34.11.
Variant type: single nucleotide variant.
Coding change: c.1135C>T on transcript NM_052844.4 (MANE Select); coding-DNA position 1135, C replaced by T.
Protein change: p.Pro379Ser; replaces proline 379 with serine.
Molecular consequence: missense variant.
Genome position (GRCh38, 1-based): chr9:128,634,768, G>A on the plus strand (C>T on the coding strand, the complement: DYNC2I2 is on the minus strand). VCF-style: chr9-128634768-G-A. GRCh37 (hg19) VCF-style: chr9-131397047-G-A.
Other names: short protein forms P379S.
Identifiers: ClinVar variation 2108466 (VCV002108466.4), dbSNP rs1205749961, ClinGen allele CA375112544.